The following is an entry in ClinVar:

ClinVar aggregate classification (germline): Uncertain significance (1 of 4 stars; one submission).

Conditions:
Dilated cardiomyopathy 1M (CMD1M). Identifiers: Orphanet 154, MedGen C1843808, MONDO:0011840, OMIM 607482.
Hypertrophic cardiomyopathy 12. Identifiers: MedGen C2677491, MONDO:0012804, OMIM 612124.

Submission:

Labcorp Genetics (formerly Invitae), Labcorp
Classification: Uncertain significance for Hypertrophic cardiomyopathy 12; Dilated cardiomyopathy 1M. Last evaluated: 2022-02-07. Review status: criteria provided, single submitter. Criteria: Invitae Variant Classification Sherloc (09022015). Collection method: clinical testing. Allele origin: germline.
Comment: This variant has not been reported in the literature in individuals affected with CSRP3-related conditions. This variant is not present in population databases (gnomAD no frequency). This sequence change replaces glycine, which is neutral and non-polar, with serine, which is neutral and polar, at codon 124 of the CSRP3 protein (p.Gly124Ser). In summary, the available evidence is currently insufficient to determine the role of this variant in disease. Therefore, it has been classified as a Variant of Uncertain Significance. Algorithms developed to predict the effect of sequence changes on RNA splicing suggest that this variant may create or strengthen a splice site. Algorithms developed to predict the effect of missense changes on protein structure and function (SIFT, PolyPhen-2, Align-GVGD) all suggest that this variant is likely to be tolerated.

NM_003476.5(CSRP3):c.370G>A (p.Gly124Ser)

Gene: CSRP3 (cysteine and glycine rich protein 3; minus strand). Cytogenetic location: 11p15.1.
Variant type: single nucleotide variant.
Coding change: c.370G>A on transcript NM_003476.5 (MANE Select); coding-DNA position 370, G replaced by A.
Protein change: p.Gly124Ser; replaces glycine 124 with serine.
Molecular consequence: missense variant. On other transcripts: synonymous variant (1).
Genome position (GRCh38, 1-based): chr11:19,186,260, C>T on the plus strand (G>A on the coding strand, the complement: CSRP3 is on the minus strand). VCF-style: chr11-19186260-C-T. GRCh37 (hg19) VCF-style: chr11-19207807-C-T.
Other names: c.370G>A, p.Gly124Ser (NM_001127656.1); c.201G>A, p.Val67= (NM_001369404.1); short protein forms G124S.
Identifiers: ClinVar variation 1929755 (VCV001929755.5), dbSNP rs2494220283, ClinGen allele CA379887919.
Genomic context (GRCh38, chr11:19,186,260, plus strand): 5'-ATACAGAAGGTCTTACCTTGCCACCTCCCATAACCTTCTCAGCAGCATAGACTGACTTGC[C>T]ACATCGAGGGCACTTCTCGGACTCTCCAAACTTCGCAGTGAATTTGGAAGGGTTGCTGGT-3'
Protein context (NP_003467.1, residues 114-134): FGESEKCPRC[Gly124Ser]KSVYAAEKVM